The following is an entry in ClinVar:

ClinVar aggregate classification (germline): Likely benign (1 of 4 stars; one submission).

gnomAD v4.1: 14 of 1,585,792 alleles (0.00088%); highest among the groups gnomAD compares: Non-Finnish European, 0.0012%; no homozygotes.

Submission:

CeGaT Center for Human Genetics Tuebingen
Classification: Likely benign. Last evaluated: 2025-01-01. Review status: criteria provided, single submitter. Criteria: CeGaT Center For Human Genetics Tuebingen Variant Classification Criteria Version 2. Collection method: clinical testing. Allele origin: germline. Affected: yes. Observed: 1 variant allele.
Comment: MUC15: BP4, BP7

NM_001135091.2(MUC15):c.687C>T (p.Thr229=)

Genes: ANO3 (anoctamin 3; plus strand), MUC15 (mucin 15, cell surface associated; minus strand). Cytogenetic location: 11p14.2.
Variant type: single nucleotide variant.
Coding change: c.687C>T on transcript NM_001135091.2 (MANE Select); coding-DNA position 687, C replaced by T.
Protein change: p.Thr229=; no amino-acid change (threonine 229 retained).
Molecular consequence: synonymous variant. On other transcripts: intron variant (3).
Genome position (GRCh38, 1-based): chr11:26,565,253, G>A on the plus strand (C>T on the coding strand, the complement: MUC15 is on the minus strand). VCF-style: chr11-26565253-G-A. GRCh37 (hg19) VCF-style: chr11-26586800-G-A.
Other names: c.687C>T, p.Thr229= (NM_001135092.2); c.606C>T, p.Thr202= (NM_145650.4); c.1630+5474G>A (NM_001313726.2); c.1447+5474G>A (NM_031418.4); c.1009+5474G>A (NM_001313727.2).
Identifiers: ClinVar variation 3772351 (VCV003772351.13).